The following is an entry in ClinVar:

ClinVar aggregate classification (germline): Conflicting classifications of pathogenicity. Review status: criteria provided, conflicting classifications (1 of 4 stars). 3 submissions from 3 submitters: Likely pathogenic (2); Uncertain significance (1). Last evaluated 2025-08-21.

Conditions:
SGCE-related disorder. Also called: SGCE-related condition.
Myoclonic dystonia 11 (DYT11). Also called: SGCE Myoclonus-Dystonia; Myoclonus-Dystonia; DYT-SGCE; Myoclonic dystonia; Dystonia 11; Dystonia, alcohol responsive. Identifiers: Orphanet 36899, MedGen C1834570, MONDO:0008044, OMIM 159900.

Allele frequency attached by ClinVar (database versions not stated): gnomAD exomes below 0.00001.
gnomAD v4.1: 1 of 1,610,404 alleles (0.000062%); highest among the groups gnomAD compares: Non-Finnish European, 0.000085%; no homozygotes.

Submissions (3):

Labcorp Genetics (formerly Invitae), Labcorp
Classification: Likely pathogenic for Myoclonic dystonia 11. Last evaluated: 2025-08-21. Review status: criteria provided, single submitter. Criteria: Invitae Variant Classification Sherloc (09022015). Collection method: clinical testing. Allele origin: germline.
Comment: This sequence change replaces isoleucine, which is neutral and non-polar, with threonine, which is neutral and polar, at codon 129 of the SGCE protein (p.Ile129Thr). This variant is not present in population databases (gnomAD no frequency). This missense change has been observed in individuals with dystonia (PMID: 22026499, 31737037; internal data). It has also been observed to segregate with disease in related individuals. ClinVar contains an entry for this variant (Variation ID: 946966). Invitae Evidence Modeling of protein sequence and biophysical properties (such as structural, functional, and spatial information, amino acid conservation, physicochemical variation, residue mobility, and thermodynamic stability) indicates that this missense variant is expected to disrupt SGCE protein function with a positive predictive value of 80%. In summary, the currently available evidence indicates that the variant is pathogenic, but additional data are needed to prove that conclusively. Therefore, this variant has been classified as Likely Pathogenic.

GeneDx
Classification: Uncertain significance. Last evaluated: 2025-04-28. Review status: criteria provided, single submitter. Criteria: GeneDx Variant Classification Process June 2021. Collection method: clinical testing. Allele origin: germline. Affected: yes.
Comment: Reported previously in family members with symptoms of myoclonus dystonia (PMID: 22026499); Reported previously as an assumed de novo variant in a patient with dystonia, myoclonus, intellectual disability, delusional syndrome, and hyperhidrosis (PMID: 37379724); Reported previously in a patient with a movement disorder; however, specific clinical and segregation information was not provided (PMID: 31737037); Not observed at significant frequency in large population cohorts (gnomAD); In silico analysis supports that this missense variant has a deleterious effect on protein structure/function; This variant is associated with the following publications: (PMID: 31737037, 22026499, 37379724)

Blueprint Genetics
Classification: Likely pathogenic for SGCE-related disorders. Last evaluated: 2020-03-12. Review status: criteria provided, single submitter. Criteria: ACMG Guidelines, 2015. Collection method: clinical testing. Allele origin: germline. Affected: yes. Observed: 1 variant allele.

Literature cited by the submitters: PubMed 22026499 (cited by Labcorp Genetics (formerly Invitae), Labcorp); PubMed 31737037 (cited by Labcorp Genetics (formerly Invitae), Labcorp).

NM_003919.3(SGCE):c.386T>C (p.Ile129Thr)

Genes: CASD1 (CAS1 domain sialic acid O acetyltransferase 1; plus strand), SGCE (sarcoglycan epsilon; minus strand). Cytogenetic location: 7q21.3.
Variant type: single nucleotide variant.
Coding change: c.386T>C on transcript NM_003919.3 (MANE Select); coding-DNA position 386, T replaced by C.
Protein change: p.Ile129Thr; replaces isoleucine 129 with threonine.
Molecular consequence: missense variant.
Genome position (GRCh38, 1-based): chr7:94,628,206, A>G on the plus strand (T>C on the coding strand, the complement: SGCE is on the minus strand). VCF-style: chr7-94628206-A-G. GRCh37 (hg19) VCF-style: chr7-94257518-A-G.
Other names: c.386T>C, p.Ile129Thr (NM_001099400.2, NM_001099401.2, NM_001346717.2); c.263T>C, p.Ile88Thr (NM_001301139.2, NM_001362809.2); c.494T>C, p.Ile165Thr (NM_001346713.2, NM_001346715.2); c.299T>C, p.Ile100Thr (NM_001346719.2, NM_001362807.2); c.113T>C, p.Ile38Thr (NM_001346720.2, NM_001362808.2); short protein forms I165T, I38T, I88T, I100T, I129T.
Identifiers: ClinVar variation 946966 (VCV000946966.11), dbSNP rs1554358639, ClinGen allele CA368237723.